The following is an entry in ClinVar:

ClinVar aggregate classification (germline): Uncertain significance. Review status: criteria provided, multiple submitters, no conflicts (2 of 4 stars). 2 submissions from 2 submitters: Uncertain significance (2). Last evaluated 2024-10-28.

Conditions:
Cardiovascular phenotype. Identifiers: MedGen CN230736.

Allele frequency attached by ClinVar (database versions not stated): gnomAD exomes below 0.00001; gnomAD 0.00001; TOPMed 0.00001.
gnomAD v4.1: 5 of 1,614,054 alleles (0.00031%); highest among the groups gnomAD compares: African/African-American, 0.0013%; no homozygotes.

Submissions (2):

Ambry Genetics
Classification: Uncertain significance for Cardiovascular phenotype. Last evaluated: 2024-10-28. Review status: criteria provided, single submitter. Criteria: Ambry Variant Classification Scheme 2023. Collection method: clinical testing. Allele origin: germline.
Comment: The p.V345M variant (also known as c.1033G>A), located in coding exon 11 of the ANK2 gene, results from a G to A substitution at nucleotide position 1033. The valine at codon 345 is replaced by methionine, an amino acid with highly similar properties. This amino acid position is conserved. In addition, this alteration is predicted to be tolerated by in silico analysis. Based on the available evidence, the clinical significance of this variant remains unclear.

CeGaT Center for Human Genetics Tuebingen
Classification: Uncertain significance. Last evaluated: 2022-02-01. Review status: criteria provided, single submitter. Criteria: CeGaT Center For Human Genetics Tuebingen Variant Classification Criteria Version 2. Collection method: clinical testing. Allele origin: germline. Affected: yes. Observed: 3 variant alleles.

NM_001148.6(ANK2):c.1033G>A (p.Val345Met)

Gene: ANK2 (ankyrin 2; plus strand). Cytogenetic location: 4q26.
Variant type: single nucleotide variant.
Coding change: c.1033G>A on transcript NM_001148.6 (MANE Select); coding-DNA position 1033, G replaced by A.
Protein change: p.Val345Met; replaces valine 345 with methionine.
Molecular consequence: missense variant.
Genome position (GRCh38, 1-based): chr4:113,255,777, G>A. VCF-style: chr4-113255777-G-A. GRCh37 (hg19) VCF-style: chr4-114176933-G-A.
Other names: c.970G>A, p.Val324Met (NM_001127493.3, NM_001354239.2, NM_001354243.2 and 14 more transcripts); c.1033G>A, p.Val345Met (NM_001354225.2, NM_001354228.2, NM_001354232.2 and 9 more transcripts); c.1078G>A, p.Val360Met (NM_001354230.2, NM_001354231.2, NM_001354237.2 and 5 more transcripts); c.946G>A, p.Val316Met (NM_001354249.2, NM_001354266.2, NM_001354267.2 and 16 more transcripts); c.1021G>A, p.Val341Met (NM_001354269.3, NM_001386186.2, NM_001386148.2); c.991G>A, p.Val331Met (NM_001386160.1, NM_001354261.2, NM_001386147.1); c.1084G>A, p.Val362Met (NM_001386174.1); c.1060G>A, p.Val354Met (NM_001386175.1); and 2 more; short protein forms V324M, V341M, V360M, V316M, V345M, V331M, V333M, V354M.
Identifiers: ClinVar variation 809657 (VCV000809657.43), dbSNP rs1280880991, ClinGen allele CA357926384.